The following is an entry in ClinVar:

NM_000719.7(CACNA1C):c.823G>C (p.Val275Leu)

Gene: CACNA1C (calcium voltage-gated channel subunit alpha1 C; plus strand). Cytogenetic location: 12p13.33.
Variant type: single nucleotide variant.
Coding change: c.823G>C on transcript NM_000719.7 (MANE Select); coding-DNA position 823, G replaced by C.
Protein change: p.Val275Leu; replaces valine 275 with leucine.
Molecular consequence: missense variant.
Genome position (GRCh38, 1-based): chr12:2,486,169, G>C. VCF-style: chr12-2486169-G-C. GRCh37 (hg19) VCF-style: chr12-2595335-G-C.
Other names: c.823G>C, p.Val275Leu (NM_001129827.2, NM_001129829.2, NM_001129830.3 and 19 more transcripts); short protein forms V275L.
Identifiers: ClinVar variation 2662375 (VCV002662375.1), dbSNP rs2502987174, ClinGen allele CA383369388.

ClinVar aggregate classification (germline): Uncertain significance (1 of 4 stars; one submission).

Submission:

GeneDx
Classification: Uncertain significance. Last evaluated: 2023-05-16. Review status: criteria provided, single submitter. Criteria: GeneDx Variant Classification Process June 2021. Collection method: clinical testing. Allele origin: germline. Affected: yes.
Comment: Not observed at significant frequency in large population cohorts (gnomAD); In silico analysis supports that this missense variant has a deleterious effect on protein structure/function; Has not been previously published as pathogenic or benign to our knowledge